The following is an entry in ClinVar:

ClinVar aggregate classification (germline): Uncertain significance (1 of 4 stars; one submission).

Conditions:
Intellectual developmental disorder, autosomal dominant 1. Also called: MBD5 Haploinsufficiency; Intellectual disability, autosomal dominant 1. Identifiers: Orphanet 228402, MedGen C1969562, MONDO:0007974, OMIM 156200.

Allele frequency attached by ClinVar (database versions not stated): TOPMed 0.00001.

Submission:

Labcorp Genetics (formerly Invitae), Labcorp
Classification: Uncertain significance for Intellectual developmental disorder, autosomal dominant 1. Last evaluated: 2023-12-02. Review status: criteria provided, single submitter. Criteria: Invitae Variant Classification Sherloc (09022015). Collection method: clinical testing. Allele origin: germline.
Comment: This sequence change replaces methionine, which is neutral and non-polar, with isoleucine, which is neutral and non-polar, at codon 1274 of the MBD5 protein (p.Met1274Ile). This variant is not present in population databases (gnomAD no frequency). This variant has not been reported in the literature in individuals affected with MBD5-related conditions. Algorithms developed to predict the effect of missense changes on protein structure and function output the following: SIFT: "Not Available"; PolyPhen-2: "Not Available"; Align-GVGD: "Not Available". The isoleucine amino acid residue is found in multiple mammalian species, which suggests that this missense change does not adversely affect protein function. In summary, the available evidence is currently insufficient to determine the role of this variant in disease. Therefore, it has been classified as a Variant of Uncertain Significance.

NM_001378120.1(MBD5):c.4521G>T (p.Met1507Ile)

Gene: MBD5 (methyl-CpG binding domain protein 5; plus strand). Cytogenetic location: 2q23.1.
Variant type: single nucleotide variant.
Coding change: c.4521G>T on transcript NM_001378120.1 (MANE Select); coding-DNA position 4521, G replaced by T.
Protein change: p.Met1507Ile; replaces methionine 1507 with isoleucine.
Molecular consequence: missense variant.
Genome position (GRCh38, 1-based): chr2:148,490,153, G>T. VCF-style: chr2-148490153-G-T. GRCh37 (hg19) VCF-style: chr2-149247722-G-T.
Other names: c.3822G>T, p.Met1274Ile (NM_018328.5); short protein forms M1507I, M1274I.
Identifiers: ClinVar variation 2904977 (VCV002904977.3), dbSNP rs914953746, ClinGen allele CA57597131.